The following is an entry in ClinVar:

NM_005026.5(PIK3CD):c.181A>G (p.Met61Val)

Gene: PIK3CD (phosphatidylinositol-4,5-bisphosphate 3-kinase catalytic subunit delta; plus strand). Cytogenetic location: 1p36.22.
Variant type: single nucleotide variant.
Coding change: c.181A>G on transcript NM_005026.5 (MANE Select); coding-DNA position 181, A replaced by G.
Protein change: p.Met61Val; replaces methionine 61 with valine.
Molecular consequence: missense variant.
Genome position (GRCh38, 1-based): chr1:9,715,580, A>G. VCF-style: chr1-9715580-A-G. GRCh37 (hg19) VCF-style: chr1-9775638-A-G.
Other names: c.181A>G (LRG_191t1); c.181A>G, p.Met61Val (NM_001350234.2, NM_001350235.1); short protein forms M61V.
Identifiers: ClinVar variation 393174 (VCV000393174.2), dbSNP rs1057524823, ClinGen allele CA16603713.

ClinVar aggregate classification (germline): Uncertain significance (1 of 4 stars; one submission).

Allele frequency attached by ClinVar (database versions not stated): gnomAD exomes below 0.00001.
gnomAD v4.1: 2 of 1,613,732 alleles (0.00012%); highest among the groups gnomAD compares: Non-Finnish European, 0.00017%; no homozygotes.

Submission:

GeneDx
Classification: Uncertain significance. Last evaluated: 2018-02-23. Review status: criteria provided, single submitter. Criteria: GeneDx Variant Classification (06012015). Collection method: clinical testing. Allele origin: germline. Affected: yes.
Comment: The M61V variant in the PIK3CD gene has not been reported previously as a pathogenic variant, nor as a benign variant, to our knowledge. The M61V variant is not observed in large population cohorts (Lek et al., 2016). The M61V variant is a conservative amino acid substitution, which is not likely to impact secondary protein structure as these residues share similar properties. In-silico analyses, including protein predictors and evolutionary conservation, support that this variant does not alter protein structure/function. We interpret M61V as a variant of uncertain significance.